The following is an entry in ClinVar:

NM_000051.4(ATM):c.2319T>G (p.Ile773Met)

Gene: ATM (ATM serine/threonine kinase; plus strand). Cytogenetic location: 11q22.3.
Variant type: single nucleotide variant.
Coding change: c.2319T>G on transcript NM_000051.4 (MANE Select); coding-DNA position 2319, T replaced by G.
Protein change: p.Ile773Met; replaces isoleucine 773 with methionine.
Molecular consequence: missense variant.
Genome position (GRCh38, 1-based): chr11:108,257,549, T>G. VCF-style: chr11-108257549-T-G. GRCh37 (hg19) VCF-style: chr11-108128276-T-G.
Other names: c.2319T>G, p.Ile773Met (NM_001351834.2); short protein forms I773M.
Identifiers: ClinVar variation 928460 (VCV000928460.4), dbSNP rs2080578910, ClinGen allele CA382539940.

ClinVar aggregate classification (germline): Uncertain significance (1 of 4 stars; one submission).

Conditions:
Hereditary cancer-predisposing syndrome. Also called: Neoplastic Syndromes, Hereditary; Hereditary Cancer Syndrome; Tumor predisposition; Hereditary neoplastic syndrome. Identifiers: Orphanet 140162, MedGen C0027672, MeSH D009386, MONDO:0015356.

Submission:

Color Diagnostics, LLC DBA Color Health
Classification: Uncertain significance for Hereditary cancer-predisposing syndrome. Last evaluated: 2024-03-07. Review status: criteria provided, single submitter. Criteria: ACMG Guidelines, 2015. Collection method: clinical testing. Allele origin: germline.
Comment: This missense variant replaces isoleucine with methionine at codon 773 of the ATM protein. Computational prediction suggests that this variant may not impact protein structure and function (internally defined REVEL score threshold <= 0.5, PMID: 27666373). Splice site prediction tools suggest that this variant may not impact RNA splicing. To our knowledge, functional studies have not been reported for this variant. This variant has not been reported in individuals affected with hereditary cancer in the literature. This variant has not been identified in the general population by the Genome Aggregation Database (gnomAD). The available evidence is insufficient to determine the role of this variant in disease conclusively. Therefore, this variant is classified as a Variant of Uncertain Significance.